The following is an entry in ClinVar:

NM_020631.6(PLEKHG5):c.190G>A (p.Ala64Thr)

Gene: PLEKHG5 (pleckstrin homology and RhoGEF domain containing G5; minus strand). Cytogenetic location: 1p36.31.
Variant type: single nucleotide variant.
Coding change: c.190G>A on transcript NM_020631.6 (MANE Select); coding-DNA position 190, G replaced by A.
Protein change: p.Ala64Thr; replaces alanine 64 with threonine.
Molecular consequence: missense variant.
Genome position (GRCh38, 1-based): chr1:6,475,482, C>T on the plus strand (G>A on the coding strand, the complement: PLEKHG5 is on the minus strand). VCF-style: chr1-6475482-C-T. GRCh37 (hg19) VCF-style: chr1-6535542-C-T.
Other names: p.Ala64Thr; c.301G>A, p.Ala101Thr (NM_001042663.3, NM_001265592.2); c.190G>A, p.Ala64Thr (NM_001042664.2, NM_001042665.2, NM_001265594.3 and 1 more transcripts); c.397G>A, p.Ala133Thr (NM_001265593.2); short protein forms A101T, A133T, A64T.
Identifiers: ClinVar variation 4541944 (VCV004541944.1).

ClinVar aggregate classification (germline): Uncertain significance. Review status: criteria provided, multiple submitters, no conflicts (2 of 4 stars). 2 submissions from 2 submitters: Uncertain significance (2). Last evaluated 2025-10-29.

Conditions:
Inborn genetic diseases. Identifiers: MedGen C0950123, MeSH D030342.

gnomAD v4.1: 1 of 1,613,642 alleles (0.000062%); highest among the groups gnomAD compares: East Asian, 0.0022%; no homozygotes.

Submissions (2):

Ambry Genetics
Classification: Uncertain significance for Inborn genetic diseases. Last evaluated: 2025-10-29. Review status: criteria provided, single submitter. Criteria: Ambry Variant Classification Scheme 2023. Collection method: clinical testing. Allele origin: germline.

Mayo Clinic Laboratories, Mayo Clinic
Classification: Uncertain significance. Last evaluated: 2025-03-07. Review status: criteria provided, single submitter. Criteria: ACMG Guidelines, 2015. Collection method: clinical testing. Allele origin: germline. Observed: 1 variant allele.
Comment: BP4_moderate, PM2_supporting